The following is an entry in ClinVar:

NM_001144061.2(COPB1):c.958-4T>G

Gene: COPB1 (coat protein complex I subunit beta 1; minus strand). Cytogenetic location: 11p15.2.
Variant type: single nucleotide variant.
Coding change: c.958-4T>G on transcript NM_001144061.2 (MANE Select); 4 bases into the intron before coding-DNA position 958, T replaced by G.
Molecular consequence: intron variant.
Genome position (GRCh38, 1-based): chr11:14,481,101, A>C on the plus strand (T>G on the coding strand, the complement: COPB1 is on the minus strand). VCF-style: chr11-14481101-A-C. GRCh37 (hg19) VCF-style: chr11-14502647-A-C.
Other names: c.958-4T>G (NM_001144062.2, NM_016451.5).
Identifiers: ClinVar variation 2641621 (VCV002641621.25), dbSNP rs375670951, ClinGen allele CA5894983.

ClinVar aggregate classification (germline): Likely benign. Review status: criteria provided, multiple submitters, no conflicts (2 of 4 stars). 2 submissions from 2 submitters: Likely benign (2). Last evaluated 2024-10-14.

Allele frequency attached by ClinVar (database versions not stated): 1000 Genomes Project 0.00020; ESP Exome Variant Server 0.00023; TOPMed 0.00029; 1000 Genomes Project 30x 0.00031; gnomAD 0.00032; gnomAD exomes 0.00037; ExAC 0.00044.
gnomAD v4.1: 587 of 1,596,050 alleles (0.037%); highest among the groups gnomAD compares: Middle Eastern, 0.084%; no homozygotes.

Submissions (2):

Blueprint Genetics
Classification: Likely benign. Last evaluated: 2024-10-14. Review status: criteria provided, single submitter. Criteria: ACMG Guidelines, 2015. Collection method: clinical testing. Allele origin: germline.

CeGaT Center for Human Genetics Tuebingen
Classification: Likely benign. Last evaluated: 2022-07-01. Review status: criteria provided, single submitter. Criteria: CeGaT Center For Human Genetics Tuebingen Variant Classification Criteria Version 2. Collection method: clinical testing. Allele origin: germline. Affected: yes. Observed: 1 variant allele.
Comment: COPB1: BP4